The following is an entry in ClinVar:

NM_001160372.4(TRAPPC9):c.100A>T (p.Ile34Phe)

Gene: TRAPPC9 (trafficking protein particle complex subunit 9; minus strand). Cytogenetic location: 8q24.3.
Variant type: single nucleotide variant.
Coding change: c.100A>T on transcript NM_001160372.4 (MANE Select); coding-DNA position 100, A replaced by T.
Protein change: p.Ile34Phe; replaces isoleucine 34 with phenylalanine.
Molecular consequence: missense variant. On other transcripts: non-coding transcript variant (1).
Genome position (GRCh38, 1-based): chr8:140,451,274, T>A on the plus strand (A>T on the coding strand, the complement: TRAPPC9 is on the minus strand). VCF-style: chr8-140451274-T-A. GRCh37 (hg19) VCF-style: chr8-141461373-T-A.
Other names: c.100A>T, p.Ile34Phe (NM_001374682.1, NM_001374683.1, NM_001374684.1 and 2 more transcripts); short protein forms I34F.
Identifiers: ClinVar variation 3693672 (VCV003693672.2).

ClinVar aggregate classification (germline): Uncertain significance (1 of 4 stars; one submission).

gnomAD v4.1: 15 of 1,612,452 alleles (0.00093%); highest among the groups gnomAD compares: East Asian, 0.0022%; no homozygotes.

Submission:

Labcorp Genetics (formerly Invitae), Labcorp
Classification: Uncertain significance. Last evaluated: 2024-04-26. Review status: criteria provided, single submitter. Criteria: Invitae Variant Classification Sherloc (09022015). Collection method: clinical testing. Allele origin: germline.
Comment: This sequence change replaces isoleucine, which is neutral and non-polar, with phenylalanine, which is neutral and non-polar, at codon 132 of the TRAPPC9 protein (p.Ile132Phe). This variant is present in population databases (rs201797522, gnomAD 0.006%). This variant has not been reported in the literature in individuals affected with TRAPPC9-related conditions. An algorithm developed to predict the effect of missense changes on protein structure and function (PolyPhen-2) suggests that this variant is likely to be disruptive. In summary, the available evidence is currently insufficient to determine the role of this variant in disease. Therefore, it has been classified as a Variant of Uncertain Significance.